The following is an entry in ClinVar:

ClinVar aggregate classification (germline): Uncertain significance (1 of 4 stars; one submission).

Submission:

Labcorp Genetics (formerly Invitae), Labcorp
Classification: Uncertain significance. Last evaluated: 2025-10-04. Review status: criteria provided, single submitter. Criteria: Invitae Variant Classification Sherloc (09022015). Collection method: clinical testing. Allele origin: germline.
Comment: This sequence change replaces valine, which is neutral and non-polar, with phenylalanine, which is neutral and non-polar, at codon 372 of the AFG3L2 protein (p.Val372Phe). This variant is not present in population databases (gnomAD no frequency). This variant has not been reported in the literature in individuals affected with AFG3L2-related conditions. Invitae Evidence Modeling of protein sequence and biophysical properties (such as structural, functional, and spatial information, amino acid conservation, physicochemical variation, residue mobility, and thermodynamic stability) indicates that this missense variant is expected to disrupt AFG3L2 protein function with a positive predictive value of 95%. In summary, the available evidence is currently insufficient to determine the role of this variant in disease. Therefore, it has been classified as a Variant of Uncertain Significance.

NM_006796.3(AFG3L2):c.1114G>T (p.Val372Phe)

Gene: AFG3L2 (AFG3 like matrix AAA peptidase subunit 2; minus strand). Cytogenetic location: 18p11.21.
Variant type: single nucleotide variant.
Coding change: c.1114G>T on transcript NM_006796.3 (MANE Select); coding-DNA position 1114, G replaced by T.
Protein change: p.Val372Phe; replaces valine 372 with phenylalanine.
Molecular consequence: missense variant.
Genome position (GRCh38, 1-based): chr18:12,356,744, C>A on the plus strand (G>T on the coding strand, the complement: AFG3L2 is on the minus strand). VCF-style: chr18-12356744-C-A. GRCh37 (hg19) VCF-style: chr18-12356743-C-A.
Other names: short protein forms V372F.
Identifiers: ClinVar variation 4802995 (VCV004802995.1).